The following is an entry in ClinVar:

ClinVar aggregate classification (germline): Likely pathogenic. Review status: reviewed by expert panel (3 of 4 stars). 2 submissions from 2 submitters: Likely pathogenic (1). 1 of the submissions does not count toward it. Last evaluated 2025-09-29.

Conditions:
AIPL1-related retinopathy. Also called: AIPL1 retinopathy. Identifiers: MedGen CN305590, MONDO:0100438.

Allele frequency attached by ClinVar (database versions not stated): gnomAD exomes below 0.00001; ExAC 0.00001.
gnomAD v4.1: 1 of 1,614,234 alleles (0.000062%); no homozygotes.

Submissions (2):

ClinGen Leber Congenital Amaurosis/early Onset Retinal Dystrophy Variant Curation Expert Panel, ClinGen
Classification: Likely pathogenic for AIPL1-related retinopathy. Last evaluated: 2025-09-29. Review status: reviewed by expert panel. Criteria: ClinGen LCAeoRD ACMG Specifications AIPL1 V1.0.0. Collection method: curation. Allele origin: germline. Inheritance: Autosomal recessive inheritance.
Comment: NM_014336.5(AIPL1):c.50T>C (p.Leu17Pro) is a missense variant predicted to replace leucine with proline at amino acid 17. This variant is present in gnomAD v.4.1.0 at a total allele frequency of 6.195e-7, with 1 / 1614234 total alleles, which is lower than the ClinGen LCA/eoRD VCEP PM2_Supporting threshold of <0.0004 (PM2_Supporting). This variant has been reported in at least 1 proband with early-onset severe retinal dystrophy who was compound heterozygous with the p.Lys214Asn variant (currently unclassified) confirmed in trans (0.25 points, PMID:21900377). This variant has also been reported in 1 proband with early-onset severe retinal dystrophy who was homozygous for the variant (0.5 points, PMID: 24265693). A second homozygous patient was reported (PMID:32531858) but was not counted towards PM3 because the phenotype was listed as arRP with no age of onset. A third homozygous patient with LCA was reported by a VCEP member (0.5 pts) (1.25 total points, PM3). At least one proband harboring this variant exhibits a phenotype including severely reduced electroretinogram responses from both rods (0.5 pts) and cones (1 pt) and was diagnosed with LCA (0.5 pts) within the first year of life (1 pt). Additional phenotypes include nystagmus (1 pt), sluggish pupils (0.5 pts), photophobia (1 pt), vascular attenuation, RPE mottling (0.5 pts) severe visual field loss (1 pt), and central macular atrophy. LCA gene panel screening revealed no other likely variants (2 pts). Together these are highly specific for AIPL1-related retinopathy (total 9 points, PMID: 21900377, PP4_Moderate). The variant has been reported to segregate with childhood-onset severe retinal dystrophy through the proband plus 1 similarly affected relative, with the variant present in the compound heterozygous state (PP1; PMID: 21900377). The computational predictor REVEL gives a score of 0.83, which is above the ClinGen LCA/eoRD VCEP threshold of ≥0.774 and predicts a damaging effect on AIPL1 protein function (PP3_Moderate). Cells exogenously expressing the variant protein exhibit more than 60% reduction of cGMP levels relative to the wild-type control, which was equivalent to the control lacking AIPL1, while the variant protein exhibits loss of interaction with HSP90α and HSP90β in yeast-2-hybrid and ELISA experiments (PMID: 28973376). In summary, this variant meets the criteria to be classified as Likely Pathogenic for AIPL1-related retinopathy based on the ACMG/AMP criteria applied, as specified by the ClinGen LCA/eoRD VCEP: PP4_moderate, PP1, PM2_supporting, PM3, PP3_moderate, and PS3_Supporting. (VCEP specifications version 1.0.0; date of approval 09/24/2025).

CeGaT Center for Human Genetics Tuebingen
Classification: Pathogenic. Last evaluated: 2016-10-01. Review status: criteria provided, single submitter. Criteria: CeGaT Center For Human Genetics Tuebingen Variant Classification Criteria Version 2. Collection method: clinical testing. Allele origin: germline. Affected: yes. Observed: 1 variant allele. Not counted in ClinVar's aggregate classification.

Literature cited by the submitters: PubMed 28973376 (cited by ClinGen Leber Congenital Amaurosis/early Onset Retinal Dystrophy Variant Curation Expert Panel, ClinGen).

NM_014336.5(AIPL1):c.50T>C (p.Leu17Pro)

Gene: AIPL1 (AIP like 1 HSP90 co-chaperone; minus strand). Cytogenetic location: 17p13.2.
Variant type: single nucleotide variant.
Coding change: c.50T>C on transcript NM_014336.5 (MANE Select); coding-DNA position 50, T replaced by C.
Protein change: p.Leu17Pro; replaces leucine 17 with proline.
Molecular consequence: missense variant. On other transcripts: 5 prime UTR variant (1).
Genome position (GRCh38, 1-based): chr17:6,435,055, A>G on the plus strand (T>C on the coding strand, the complement: AIPL1 is on the minus strand). VCF-style: chr17-6435055-A-G. GRCh37 (hg19) VCF-style: chr17-6338375-A-G.
Other names: NM_014336.5(AIPL1):c.50T>C; p.Leu17Pro; c.50T>C, p.Leu17Pro (NM_001033054.3, NM_001033055.3, NM_001285399.3 and 3 more transcripts); c.-126T>C (NM_001285402.2); short protein forms L17P.
Identifiers: ClinVar variation 870937 (VCV000870937.41), dbSNP rs773387922, ClinGen allele CA8328674.